The following is an entry in ClinVar:

NM_001184.4(ATR):c.7411C>T (p.Leu2471=)

Gene: ATR (ATR checkpoint kinase; minus strand). Cytogenetic location: 3q23.
Variant type: single nucleotide variant.
Coding change: c.7411C>T on transcript NM_001184.4 (MANE Select); coding-DNA position 7411, C replaced by T.
Protein change: p.Leu2471=; no amino-acid change (leucine 2471 retained).
Molecular consequence: synonymous variant.
Genome position (GRCh38, 1-based): chr3:142,459,050, G>A on the plus strand (C>T on the coding strand, the complement: ATR is on the minus strand). VCF-style: chr3-142459050-G-A. GRCh37 (hg19) VCF-style: chr3-142177892-G-A.
Other names: c.7219C>T, p.Leu2407= (NM_001354579.2).
Identifiers: ClinVar variation 700205 (VCV000700205.14), dbSNP rs150286172, ClinGen allele CA2649136.

ClinVar aggregate classification (germline): Likely benign. Review status: criteria provided, multiple submitters, no conflicts (2 of 4 stars). 6 submissions from 5 submitters: Likely benign (5). 1 of the submissions does not count toward it. Last evaluated 2024-12-02.

Conditions:
ATR-related disorder. Also called: ATR-related condition.
Inborn genetic diseases. Identifiers: MedGen C0950123, MeSH D030342.
Seckel syndrome 1 (SCKL1). Also called: MICROCEPHALIC PRIMORDIAL DWARFISM I. Identifiers: Orphanet 808, MedGen C4551474, MONDO:0008869, OMIM 210600.
Familial cutaneous telangiectasia and oropharyngeal predisposition cancer syndrome. Identifiers: Orphanet 313846, MedGen C3281203, MONDO:0013806, OMIM 614564.

Allele frequency attached by ClinVar (database versions not stated): 1000 Genomes Project 30x 0.00016; 1000 Genomes Project 0.00020; gnomAD 0.00041; TOPMed 0.00044; ESP Exome Variant Server 0.00054.
gnomAD v4.1: 135 of 1,613,968 alleles (0.0084%); highest among the groups gnomAD compares: African/African-American, 0.15%; no homozygotes.

Submissions (6):

Labcorp Genetics (formerly Invitae), Labcorp
Classification: Likely benign. Last evaluated: 2024-12-02. Review status: criteria provided, single submitter. Criteria: Invitae Variant Classification Sherloc (09022015). Collection method: clinical testing. Allele origin: germline.

Women's Health and Genetics/Laboratory Corporation of America, LabCorp
Classification: Likely benign. Last evaluated: 2024-09-03. Review status: criteria provided, single submitter. Criteria: LabCorp Variant Classification Summary - May 2015. Collection method: clinical testing. Allele origin: germline.
Comment: Variant summary: ATR c.7411C>T alters a conserved nucleotide resulting in a synonymous change. Consensus agreement among computation tools predict no significant impact on normal splicing. However, these predictions have yet to be confirmed by functional studies. The variant allele was found at a frequency of 0.00013 in 251276 control chromosomes. This frequency is not significantly higher than estimated for a pathogenic variant in ATR causing Seckel syndrome 1, allowing no conclusion about variant significance. To our knowledge, no occurrence of c.7411C>T in individuals affected with Seckel syndrome 1 and no experimental evidence demonstrating its impact on protein function have been reported. ClinVar contains an entry for this variant (Variation ID: 700205). Based on the evidence outlined above, the variant was classified as likely benign.

Genome-Nilou Lab
Classification: Likely benign for Seckel syndrome 1. Last evaluated: 2023-02-08. Review status: criteria provided, single submitter. Criteria: ACMG Guidelines, 2015. Collection method: clinical testing. Allele origin: germline.

Genome-Nilou Lab
Classification: Likely benign for Familial cutaneous telangiectasia and oropharyngeal predisposition cancer syndrome. Last evaluated: 2023-02-08. Review status: criteria provided, single submitter. Criteria: ACMG Guidelines, 2015. Collection method: clinical testing. Allele origin: germline.

Ambry Genetics
Classification: Likely benign for Inborn genetic diseases. Last evaluated: 2022-02-15. Review status: criteria provided, single submitter. Criteria: Ambry Variant Classification Scheme 2023. Collection method: clinical testing. Allele origin: germline.

PreventionGenetics, part of Exact Sciences
Classification: Likely benign for ATR-related condition. Last evaluated: 2024-05-28. Review status: no assertion criteria provided. Collection method: clinical testing. Allele origin: germline. Not counted in ClinVar's aggregate classification.
Comment: This variant is classified as likely benign based on ACMG/AMP sequence variant interpretation guidelines (Richards et al. 2015 PMID: 25741868, with internal and published modifications).